The following is an entry in ClinVar:

NM_177438.3(DICER1):c.1053C>G (p.Phe351Leu)

Gene: DICER1 (dicer 1, ribonuclease III; minus strand). Cytogenetic location: 14q32.13.
Variant type: single nucleotide variant.
Coding change: c.1053C>G on transcript NM_177438.3 (MANE Select); coding-DNA position 1053, C replaced by G.
Protein change: p.Phe351Leu; replaces phenylalanine 351 with leucine.
Molecular consequence: missense variant. On other transcripts: 5 prime UTR variant (1), non-coding transcript variant (6).
Genome position (GRCh38, 1-based): chr14:95,124,519, G>C on the plus strand (C>G on the coding strand, the complement: DICER1 is on the minus strand). VCF-style: chr14-95124519-G-C. GRCh37 (hg19) VCF-style: chr14-95590856-G-C.
Other names: c.1053C>G, p.Phe351Leu (NM_001195573.1, NM_001271282.3, NM_001291628.2 and 15 more transcripts); c.771C>G, p.Phe257Leu (NM_001395686.1); c.648C>G, p.Phe216Leu (NM_001395687.1, NM_001395688.1, NM_001395689.1 and 3 more transcripts); c.486C>G, p.Phe162Leu (NM_001395691.1); c.-516C>G (NM_001395697.1); short protein forms F162L, F216L, F351L, F257L.
Identifiers: ClinVar variation 1777775 (VCV001777775.7), dbSNP rs1358609309, ClinGen allele CA390887063.

ClinVar aggregate classification (germline): Conflicting classifications of pathogenicity. Review status: criteria provided, conflicting classifications (1 of 4 stars). 2 submissions from 2 submitters: Uncertain significance (1); Likely benign (1). Last evaluated 2025-12-22.

Conditions:
DICER1-related tumor predisposition. Also called: DICER1-related pleuropulmonary blastoma cancer predisposition syndrome; DICER1 syndrome. Identifiers: Orphanet 284343, MedGen C3839822, MONDO:0100216.
Hereditary cancer-predisposing syndrome. Also called: Tumor predisposition; Neoplastic Syndromes, Hereditary; Hereditary Cancer Syndrome; Hereditary neoplastic syndrome. Identifiers: Orphanet 140162, MedGen C0027672, MeSH D009386, MONDO:0015356.

Allele frequency attached by ClinVar (database versions not stated): gnomAD 0.00001.
gnomAD v4.1: 1 of 1,613,884 alleles (0.000062%); highest among the groups gnomAD compares: Non-Finnish European, 0.000085%; no homozygotes.

Submissions (2):

Labcorp Genetics (formerly Invitae), Labcorp
Classification: Uncertain significance for DICER1-related tumor predisposition. Last evaluated: 2025-12-22. Review status: criteria provided, single submitter. Criteria: Invitae Variant Classification Sherloc (09022015). Collection method: clinical testing. Allele origin: germline.
Comment: This sequence change replaces phenylalanine, which is neutral and non-polar, with leucine, which is neutral and non-polar, at codon 351 of the DICER1 protein (p.Phe351Leu). This variant is present in population databases (no rsID available, gnomAD 0.007%). This variant has not been reported in the literature in individuals affected with DICER1-related conditions. ClinVar contains an entry for this variant (Variation ID: 1777775). Invitae Evidence Modeling of protein sequence and biophysical properties (such as structural, functional, and spatial information, amino acid conservation, physicochemical variation, residue mobility, and thermodynamic stability) indicates that this missense variant is not expected to disrupt DICER1 protein function with a negative predictive value of 95%. In summary, the available evidence is currently insufficient to determine the role of this variant in disease. Therefore, it has been classified as a Variant of Uncertain Significance.

Ambry Genetics
Classification: Likely benign for Hereditary cancer-predisposing syndrome. Last evaluated: 2025-03-21. Review status: criteria provided, single submitter. Criteria: Ambry Variant Classification Scheme 2023. Collection method: clinical testing. Allele origin: germline.